The following is an entry in ClinVar:

ClinVar aggregate classification (germline): Likely benign. Review status: criteria provided, multiple submitters, no conflicts (2 of 4 stars). 2 submissions from 2 submitters: Likely benign (2). Last evaluated 2025-09-16.

Allele frequency attached by ClinVar (database versions not stated): gnomAD 0.00008; ESP Exome Variant Server 0.00015; gnomAD exomes 0.00015; ExAC 0.00016.
gnomAD v4.1: 227 of 1,613,780 alleles (0.014%); highest among the groups gnomAD compares: Non-Finnish European, 0.018%; no homozygotes.

Submissions (3):

Labcorp Genetics (formerly Invitae), Labcorp
Classification: Likely benign. Last evaluated: 2025-09-16. Review status: criteria provided, single submitter. Criteria: Invitae Variant Classification Sherloc (09022015). Collection method: clinical testing. Allele origin: germline.

CeGaT Center for Human Genetics Tuebingen
Classification: Likely benign. Last evaluated: 2022-11-01. Review status: criteria provided, single submitter. Criteria: CeGaT Center For Human Genetics Tuebingen Variant Classification Criteria Version 2. Collection method: clinical testing. Allele origin: germline. Affected: yes. Observed: 1 variant allele.
Comment: CNTNAP1: BP4, BP7

Dr. Peter K. Rogan Lab, Western University
No classification provided (evidence only). Condition: Clear cell carcinoma of kidney. Review status: no classification provided. Collection method: in vitro. Allele origin: not applicable. Functional consequence: skipped exon. Not counted in ClinVar's aggregate classification.

NM_003632.3(CNTNAP1):c.1545A>G (p.Gln515=)

Gene: CNTNAP1 (contactin associated protein 1; plus strand). Cytogenetic location: 17q21.2.
Variant type: single nucleotide variant.
Coding change: c.1545A>G on transcript NM_003632.3 (MANE Select); coding-DNA position 1545, A replaced by G.
Protein change: p.Gln515=; no amino-acid change (glutamine 515 retained).
Molecular consequence: synonymous variant.
Genome position (GRCh38, 1-based): chr17:42,688,964, A>G. VCF-style: chr17-42688964-A-G. GRCh37 (hg19) VCF-style: chr17-40840982-A-G.
Identifiers: ClinVar variation 2647798 (VCV002647798.28), dbSNP rs141155776, ClinGen allele CA8581815.